The following is an entry in ClinVar:

ClinVar aggregate classification (germline): Likely benign (1 of 4 stars; one submission).

Allele frequency attached by ClinVar (database versions not stated): gnomAD exomes below 0.00001; ExAC 0.00001; gnomAD 0.00001; TOPMed 0.00001.
gnomAD v4.1: 11 of 1,613,174 alleles (0.00068%); highest among the groups gnomAD compares: African/African-American, 0.008%; no homozygotes.

Submission:

CeGaT Center for Human Genetics Tuebingen
Classification: Likely benign. Last evaluated: 2022-07-01. Review status: criteria provided, single submitter. Criteria: CeGaT Center For Human Genetics Tuebingen Variant Classification Criteria Version 2. Collection method: clinical testing. Allele origin: germline. Affected: yes. Observed: 1 variant allele.
Comment: DST: BP4, BP7

NM_001374736.1(DST):c.19419T>G (p.Leu6473=)

Gene: DST (dystonin; minus strand). Cytogenetic location: 6p12.1.
Variant type: single nucleotide variant.
Coding change: c.19419T>G on transcript NM_001374736.1 (MANE Select); coding-DNA position 19419, T replaced by G.
Protein change: p.Leu6473=; no amino-acid change (leucine 6473 retained).
Molecular consequence: synonymous variant.
Genome position (GRCh38, 1-based): chr6:56,506,488, A>C on the plus strand (T>G on the coding strand, the complement: DST is on the minus strand). VCF-style: chr6-56506488-A-C. GRCh37 (hg19) VCF-style: chr6-56371286-A-C.
Other names: c.13062T>G, p.Leu4354= (NM_001144769.5); c.12648T>G, p.Leu4216= (NM_001144770.2); c.19419T>G, p.Leu6473= (NM_001374722.1); c.18459T>G, p.Leu6153= (NM_001374729.1); c.12201T>G, p.Leu4067= (NM_001374730.1); c.19446T>G, p.Leu6482= (NM_001374734.1); c.12528T>G, p.Leu4176= (NM_001386100.1, NM_183380.4); c.11550T>G, p.Leu3850= (NM_015548.5).
Identifiers: ClinVar variation 2656654 (VCV002656654.24), dbSNP rs747819541, ClinGen allele CA3867002.